The following is an entry in ClinVar:

NM_201525.4(ADGRG1):c.1577C>T (p.Thr526Met)

Gene: ADGRG1 (adhesion G protein-coupled receptor G1; plus strand). Cytogenetic location: 16q21.
Variant type: single nucleotide variant.
Coding change: c.1577C>T on transcript NM_201525.4 (MANE Select); coding-DNA position 1577, C replaced by T.
Protein change: p.Thr526Met; replaces threonine 526 with methionine.
Molecular consequence: missense variant.
Genome position (GRCh38, 1-based): chr16:57,660,789, C>T. VCF-style: chr16-57660789-C-T. GRCh37 (hg19) VCF-style: chr16-57694701-C-T.
Other names: c.1577C>T, p.Thr526Met (NM_001145770.3, NM_001145772.3, NM_001145774.3 and 7 more transcripts); c.1595C>T, p.Thr532Met (NM_001145771.3, NM_001370428.1, NM_001370429.1 and 4 more transcripts); c.1592C>T, p.Thr531Met (NM_001145773.3, NM_001370433.1, NM_001370434.1); c.1085C>T, p.Thr362Met (NM_001290142.2); c.1070C>T, p.Thr357Met (NM_001290143.2); c.1052C>T, p.Thr351Met (NM_001290144.2, NM_001370451.1, NM_001370453.1 and 1 more transcripts); c.1574C>T, p.Thr525Met (NM_001370441.1); c.1421C>T, p.Thr474Met (NM_001370442.1); short protein forms T351M, T525M, T526M, T531M, T532M, T362M, T357M, T474M.
Identifiers: ClinVar variation 2052480 (VCV002052480.4), dbSNP rs373179390, ClinGen allele CA8078804.

ClinVar aggregate classification (germline): Uncertain significance. Review status: criteria provided, multiple submitters, no conflicts (2 of 4 stars). 2 submissions from 2 submitters: Uncertain significance (2). Last evaluated 2024-04-08.

Allele frequency attached by ClinVar (database versions not stated): gnomAD exomes 0.00003; ExAC 0.00006; ESP Exome Variant Server 0.00015; 1000 Genomes Project 30x 0.00016; 1000 Genomes Project 0.00020; TOPMed 0.00004; gnomAD 0.00004.
gnomAD v4.1: 49 of 1,612,048 alleles (0.003%); highest among the groups gnomAD compares: African/African-American, 0.011%; no homozygotes.

Submissions (2):

ARUP Laboratories, Molecular Genetics and Genomics, ARUP Laboratories
Classification: Uncertain significance. Last evaluated: 2024-04-08. Review status: criteria provided, single submitter. Criteria: ARUP Molecular Germline Variant Investigation Process 2024. Collection method: clinical testing. Allele origin: germline.

Labcorp Genetics (formerly Invitae), Labcorp
Classification: Uncertain significance. Last evaluated: 2024-02-24. Review status: criteria provided, single submitter. Criteria: Invitae Variant Classification Sherloc (09022015). Collection method: clinical testing. Allele origin: germline.
Comment: This sequence change replaces threonine, which is neutral and polar, with methionine, which is neutral and non-polar, at codon 532 of the ADGRG1 protein (p.Thr532Met). This variant is present in population databases (rs373179390, gnomAD 0.01%). This variant has not been reported in the literature in individuals affected with ADGRG1-related conditions. ClinVar contains an entry for this variant (Variation ID: 2052480). Advanced modeling of protein sequence and biophysical properties (such as structural, functional, and spatial information, amino acid conservation, physicochemical variation, residue mobility, and thermodynamic stability) performed at Invitae indicates that this missense variant is not expected to disrupt ADGRG1 protein function with a negative predictive value of 95%. In summary, the available evidence is currently insufficient to determine the role of this variant in disease. Therefore, it has been classified as a Variant of Uncertain Significance.